The following is an entry in ClinVar:

NM_001184.4(ATR):c.2888A>G (p.Asp963Gly)

Gene: ATR (ATR checkpoint kinase; minus strand). Cytogenetic location: 3q23.
Variant type: single nucleotide variant.
Coding change: c.2888A>G on transcript NM_001184.4 (MANE Select); coding-DNA position 2888, A replaced by G.
Protein change: p.Asp963Gly; replaces aspartic acid 963 with glycine.
Molecular consequence: missense variant.
Genome position (GRCh38, 1-based): chr3:142,550,220, T>C on the plus strand (A>G on the coding strand, the complement: ATR is on the minus strand). VCF-style: chr3-142550220-T-C. GRCh37 (hg19) VCF-style: chr3-142269062-T-C.
Other names: c.2696A>G, p.Asp899Gly (NM_001354579.2); short protein forms D899G, D963G.
Identifiers: ClinVar variation 1797241 (VCV001797241.2), dbSNP rs985214824, ClinGen allele CA84743764.

ClinVar aggregate classification (germline): Uncertain significance (1 of 4 stars; one submission).

Conditions:
Inborn genetic diseases. Identifiers: MedGen C0950123, MeSH D030342.

Allele frequency attached by ClinVar (database versions not stated): gnomAD 0.00001; TOPMed 0.00001.
gnomAD v4.1: 2 of 1,614,056 alleles (0.00012%); highest among the groups gnomAD compares: African/African-American, 0.0027%; no homozygotes.

Submission:

Ambry Genetics
Classification: Uncertain significance for Inborn genetic diseases. Last evaluated: 2021-08-11. Review status: criteria provided, single submitter. Criteria: Ambry Variant Classification Scheme 2023. Collection method: clinical testing. Allele origin: germline.
Comment: The p.D963G variant (also known as c.2888A>G), located in coding exon 14 of the ATR gene, results from an A to G substitution at nucleotide position 2888. The aspartic acid at codon 963 is replaced by glycine, an amino acid with similar properties. This amino acid position is conserved. In addition, this alteration is predicted to be tolerated by in silico analysis. Since supporting evidence is limited at this time, the clinical significance of this alteration remains unclear.